The following is an entry in ClinVar:

ClinVar aggregate classification (germline): Pathogenic (1 of 4 stars; one submission).

Conditions:
Fanconi anemia (FA). Also called: Fanconi's anemia. Identifiers: Orphanet 84, MedGen C0015625, MeSH D005199, MONDO:0019391.

Submission:

Labcorp Genetics (formerly Invitae), Labcorp
Classification: Pathogenic for Fanconi anemia. Last evaluated: 2022-02-17. Review status: criteria provided, single submitter. Criteria: Invitae Variant Classification Sherloc (09022015). Collection method: clinical testing. Allele origin: germline.
Comment: This variant is a gross deletion of the genomic region encompassing exon(s) 1-29 of the FANCA gene, which includes the initiator codon. This deletion extends beyond the assayed region for this gene and therefore may encompass additional genes. It is expected to result in an absent or disrupted protein product. Loss-of-function variants in FANCA are known to be pathogenic (PMID: 19367192). This variant has not been reported in the literature in individuals affected with FANCA-related conditions. For these reasons, this variant has been classified as Pathogenic.

Literature cited by the submitters: PubMed 19367192.

NC_000016.10:g.(?_89761939)_(89816616_?)del

Gene: FANCA (FA complementation group A; minus strand). Cytogenetic location: 16q24.3.
Variant type: Deletion.
Identifiers: ClinVar variation 832647 (VCV000832647.5).